The following is an entry in ClinVar:

ClinVar aggregate classification (germline): Benign (1 of 4 stars; one submission).

Conditions:
Lynch syndrome 5 (LYNCH5). Also called: Colorectal cancer, hereditary nonpolyposis, type 5; Hereditary non-polyposis colorectal cancer, type 5. Identifiers: Orphanet 144, MedGen C1833477, MONDO:0013710, OMIM 614350. Disease mechanism: loss of function.

gnomAD v4.1: 1 of 1,614,090 alleles (0.000062%); highest among the groups gnomAD compares: Non-Finnish European, 0.000085%; no homozygotes.

Submission:

Myriad Genetics, Inc.
Classification: Benign for Lynch syndrome 5. Last evaluated: 2025-01-07. Review status: criteria provided, single submitter. Criteria: Myriad Autosomal Dominant, Autosomal Recessive and X-Linked Classification Criteria (2023). Collection method: clinical testing. Allele origin: unknown.
Comment: This variant is considered benign. This variant is a silent/synonymous amino acid change and it is not expected to impact splicing.

NM_000179.3(MSH6):c.3657T>A (p.Thr1219=)

Gene: MSH6 (mutS homolog 6; plus strand). Cytogenetic location: 2p16.3.
Variant type: single nucleotide variant.
Coding change: c.3657T>A on transcript NM_000179.3 (MANE Select); coding-DNA position 3657, T replaced by A.
Protein change: p.Thr1219=; no amino-acid change (threonine 1219 retained).
Molecular consequence: synonymous variant. On other transcripts: non-coding transcript variant (5).
Genome position (GRCh38, 1-based): chr2:47,806,214, T>A. VCF-style: chr2-47806214-T-A. GRCh37 (hg19) VCF-style: chr2-48033353-T-A.
Other names: c.3267T>A, p.Thr1089= (NM_001281492.2); c.2751T>A, p.Thr917= (NM_001281493.2, NM_001281494.2, NM_001406811.1 and 6 more transcripts); c.3753T>A, p.Thr1251= (NM_001406795.1, NM_001406802.1); c.3657T>A, p.Thr1219= (NM_001406796.1, NM_001406800.1, NM_001406808.1 and 1 more transcripts); c.3360T>A, p.Thr1120= (NM_001406797.1, NM_001406801.1, NM_001406805.1 and 10 more transcripts); c.3483T>A, p.Thr1161= (NM_001406798.1); c.3132T>A, p.Thr1044= (NM_001406799.1, NM_001406806.1, NM_001406807.1); c.2793T>A, p.Thr931= (NM_001406803.1); and 7 more.
Identifiers: ClinVar variation 3903488 (VCV003903488.1).